The following is an entry in ClinVar:

NC_000016.10:g.(?_3243121)_(3257201_?)dup

Gene: MEFV (MEFV innate immunity regulator, pyrin; minus strand). Cytogenetic location: 16p13.3.
Variant type: Duplication.
Identifiers: ClinVar variation 832160 (VCV000832160.1).

ClinVar aggregate classification (germline): Uncertain significance (1 of 4 stars; one submission).

Conditions:
Familial Mediterranean fever (FMF). Also called: POLYSEROSITIS, FAMILIAL PAROXYSMAL; POLYSEROSITIS, RECURRENT; Periodic peritonitis; Benign paroxysmal peritonitis. Identifiers: Orphanet 342, MedGen C0031069, MONDO:0018088, OMIM 249100. Disease mechanism: gain of function.

Submission:

Labcorp Genetics (formerly Invitae), Labcorp
Classification: Uncertain significance for Familial Mediterranean fever. Last evaluated: 2019-02-19. Review status: criteria provided, single submitter. Criteria: Invitae Variant Classification Sherloc (09022015). Collection method: clinical testing. Allele origin: germline.
Comment: This variant results in a copy number gain of the genomic region encompassing the full coding sequence of the MEFV gene. The boundaries of this event are unknown as they extend beyond the assayed region for this gene and therefore may encompass additional genes. As the precise location of this event is unknown, it may be in tandem or it may be located elsewhere in the genome. This variant has not been reported in the literature in individuals with MEFV-related conditions. In summary, the available evidence is currently insufficient to determine the role of this variant in disease. Therefore, it has been classified as a Variant of Uncertain Significance.